The following is an entry in ClinVar:

ClinVar aggregate classification (germline): Pathogenic (1 of 4 stars; one submission).

Conditions:
Hereditary cancer-predisposing syndrome. Also called: Tumor predisposition; Hereditary neoplastic syndrome; Hereditary Cancer Syndrome; Neoplastic Syndromes, Hereditary. Identifiers: Orphanet 140162, MedGen C0027672, MeSH D009386, MONDO:0015356.

Submission:

Ambry Genetics
Classification: Pathogenic for Hereditary cancer-predisposing syndrome. Last evaluated: 2023-12-05. Review status: criteria provided, single submitter. Criteria: Ambry Variant Classification Scheme 2023. Collection method: clinical testing. Allele origin: germline.
Comment: The c.196delA pathogenic mutation, located in coding exon 1 of the PHOX2B gene, results from a deletion of one nucleotide at nucleotide position 196, causing a translational frameshift with a predicted alternate stop codon (p.S66Afs*68). This alteration occurs at the 3' terminus of the PHOX2B gene, is not expected to trigger nonsense-mediated mRNA decay, and impacts the last 79% of the protein. However, premature stop codons are typically deleterious in nature and a significant portion of the protein is affected (Ambry internal data).

NM_003924.4(PHOX2B):c.196del (p.Ser66fs)

Genes: PHOX2B (paired like homeobox 2B; minus strand), PHOX2B-AS1 (PHOX2B antisense RNA 1; plus strand). Cytogenetic location: 4p13.
Variant type: Deletion.
Coding change: c.196del on transcript NM_003924.4 (MANE Select); coding-DNA position 196, one base deleted (A; older notation c.196delA).
Protein change: p.Ser66fs; shifts the reading frame from serine 66.
Molecular consequence: frameshift variant. On other transcripts: non-coding transcript variant (1).
Genome position (GRCh38, 1-based): chr4:41,748,415, T deleted on the plus strand (A on the coding strand, the reverse complement: PHOX2B is on the minus strand). VCF-style (leftmost placement, unchanged base first): chr4-41748414-CT-C. GRCh37 (hg19) VCF-style: chr4-41750431-CT-C.
Other names: short protein forms S66fs.
Identifiers: ClinVar variation 3223580 (VCV003223580.1), dbSNP rs2552097167, ClinGen allele CA2825001294.